The following is an entry in ClinVar:

NM_017654.4(SAMD9):c.1216G>A (p.Asp406Asn)

Gene: SAMD9 (sterile alpha motif domain containing 9; minus strand). Cytogenetic location: 7q21.2.
Variant type: single nucleotide variant.
Coding change: c.1216G>A on transcript NM_017654.4 (MANE Select); coding-DNA position 1216, G replaced by A.
Protein change: p.Asp406Asn; replaces aspartic acid 406 with asparagine.
Molecular consequence: missense variant.
Genome position (GRCh38, 1-based): chr7:93,104,882, C>T on the plus strand (G>A on the coding strand, the complement: SAMD9 is on the minus strand). VCF-style: chr7-93104882-C-T. GRCh37 (hg19) VCF-style: chr7-92734195-C-T.
Other names: c.1216G>A (NM_017654.3); c.1216G>A, p.Asp406Asn (NM_001193307.2); short protein forms D406N.
Identifiers: ClinVar variation 2974255 (VCV002974255.4), dbSNP rs2535360988, ClinGen allele CA368201258.

ClinVar aggregate classification (germline): Uncertain significance. Review status: criteria provided, multiple submitters, no conflicts (2 of 4 stars). 2 submissions from 2 submitters: Uncertain significance (2). Last evaluated 2025-12-01.

Conditions:
Inborn genetic diseases. Identifiers: MedGen C0950123, MeSH D030342.

Allele frequency attached by ClinVar (database versions not stated): gnomAD exomes below 0.00001.

Submissions (2):

Labcorp Genetics (formerly Invitae), Labcorp
Classification: Uncertain significance. Last evaluated: 2025-12-01. Review status: criteria provided, single submitter. Criteria: Invitae Variant Classification Sherloc (09022015). Collection method: clinical testing. Allele origin: germline.
Comment: This sequence change replaces aspartic acid, which is acidic and polar, with asparagine, which is neutral and polar, at codon 406 of the SAMD9 protein (p.Asp406Asn). This variant is not present in population databases (gnomAD no frequency). This variant has not been reported in the literature in individuals affected with SAMD9-related conditions. ClinVar contains an entry for this variant (Variation ID: 2974255). Invitae Evidence Modeling of protein sequence and biophysical properties (such as structural, functional, and spatial information, amino acid conservation, physicochemical variation, residue mobility, and thermodynamic stability) has been performed for this missense variant. However, the output from this modeling did not meet the statistical confidence thresholds required to predict the impact of this variant on SAMD9 protein function. In summary, the available evidence is currently insufficient to determine the role of this variant in disease. Therefore, it has been classified as a Variant of Uncertain Significance.

Ambry Genetics
Classification: Uncertain significance for Inborn genetic diseases. Last evaluated: 2025-01-08. Review status: criteria provided, single submitter. Criteria: Ambry Variant Classification Scheme 2023. Collection method: clinical testing. Allele origin: germline.
Comment: The p.D406N variant (also known as c.1216G>A), located in coding exon 1 of the SAMD9 gene, results from a G to A substitution at nucleotide position 1216. The aspartic acid at codon 406 is replaced by asparagine, an amino acid with highly similar properties. This amino acid position is conserved. In addition, this alteration is predicted to be tolerated by in silico analysis. Based on the available evidence, the clinical significance of this variant remains unclear.